The following is an entry in ClinVar:

ClinVar aggregate classification (germline): Uncertain significance. Review status: criteria provided, multiple submitters, no conflicts (2 of 4 stars). 3 submissions from 3 submitters: Uncertain significance (3). Last evaluated 2026-03-14.

Conditions:
PLEC-related disorder. Also called: PLEC-related condition; PLEC-related disorders.
Autosomal recessive limb-girdle muscular dystrophy type 2Q (LGMDR17). Also called: MUSCULAR DYSTROPHY, LIMB-GIRDLE, AUTOSOMAL RECESSIVE 17. Identifiers: Orphanet 254361, MedGen C3150989, MONDO:0013390, OMIM 613723.
Epidermolysis bullosa simplex, Ogna type (EBS5A). Also called: Pidermolysis bullosa simplex 5A, Ogna type; EPIDERMOLYSIS BULLOSA SIMPLEX 5A, OGNA TYPE. Identifiers: Orphanet 79401, MedGen C0432317, MONDO:0007555, OMIM 131950.
Epidermolysis bullosa simplex with nail dystrophy (EBS5D). Identifiers: MedGen C4225309, MONDO:0014661, OMIM 616487.
Epidermolysis bullosa simplex 5C, with pyloric atresia (EBS5C). Also called: PLEC-Related Epidermolysis Bullosa with Pyloric Atresia; Epidermolysis bullosa simplex with pyloric atresia; PLEC1-Related Epidermolysis Bullosa with Pyloric Atresia. Identifiers: Orphanet 158684, MedGen C2677349, MONDO:0012807, OMIM 612138.
Epidermolysis bullosa simplex 5B, with muscular dystrophy (EBS5B). Also called: EPIDERMOLYSIS BULLOSA SIMPLEX AND LIMB-GIRDLE MUSCULAR DYSTROPHY; Epidermolysis bullosa simplex with muscular dystrophy. Identifiers: Orphanet 257, MedGen C2931072, MONDO:0009181, OMIM 226670.

Submissions (3):

PreventionGenetics, part of Exact Sciences
Classification: Uncertain significance for PLEC-related condition. Last evaluated: 2026-03-14. Review status: criteria provided, single submitter. Criteria: ACMG Guidelines, 2015. Collection method: clinical testing. Allele origin: germline.
Comment: The PLEC c.8414_8415delinsCC variant is predicted to result in an in-frame deletion and insertion. To our knowledge, this variant has not been reported in the literature or in a large population database (gnomAD), indicating this variant is rare. At this time, the clinical significance of this variant is uncertain due to the absence of conclusive functional and genetic evidence.

Labcorp Genetics (formerly Invitae), Labcorp
Classification: Uncertain significance for Autosomal recessive limb-girdle muscular dystrophy type 2Q; Epidermolysis bullosa simplex, Ogna type; Epidermolysis bullosa simplex with nail dystrophy; Epidermolysis bullosa simplex 5C, with pyloric atresia; Epidermolysis bullosa simplex 5B, with muscular dystrophy. Last evaluated: 2025-03-12. Review status: criteria provided, single submitter. Criteria: Invitae Variant Classification Sherloc (09022015). Collection method: clinical testing. Allele origin: germline.
Comment: This sequence change replaces lysine, which is basic and polar, with threonine, which is neutral and polar, at codon 2805 of the PLEC protein (p.Lys2805Thr). The frequency data for this variant in the population databases is considered unreliable, as metrics indicate poor data quality at this position in the gnomAD database. This variant has not been reported in the literature in individuals affected with PLEC-related conditions. ClinVar contains an entry for this variant (Variation ID: 852332). An algorithm developed to predict the effect of missense changes on protein structure and function outputs the following: PolyPhen-2: "Benign". The threonine amino acid residue is found in multiple mammalian species, which suggests that this missense change does not adversely affect protein function. In summary, the available evidence is currently insufficient to determine the role of this variant in disease. Therefore, it has been classified as a Variant of Uncertain Significance.

Revvity Omics, Revvity
Classification: Uncertain significance. Last evaluated: 2022-04-20. Review status: criteria provided, single submitter. Criteria: ACMG Guidelines, 2015. Collection method: clinical testing. Allele origin: germline.

NM_201384.3(PLEC):c.8333_8334delinsCC (p.Lys2778Thr)

Gene: PLEC (plectin; minus strand). Cytogenetic location: 8q24.3.
Variant type: Indel.
Coding change: c.8333_8334delinsCC on transcript NM_201384.3 (MANE Select); coding-DNA positions 8333 to 8334, AG replaced by CC.
Protein change: p.Lys2778Thr; replaces lysine 2778 with threonine.
Molecular consequence: missense variant.
Genome position (GRCh38, 1-based): chr8:143,921,487-143,921,488, CT replaced by GG on the plus strand (AG replaced by CC on the coding strand, the reverse complement: PLEC is on the minus strand). VCF-style: chr8-143921487-CT-GG. GRCh37 (hg19) VCF-style: chr8-144995655-CT-GG.
Other names: c.8414_8415delinsCC, p.Lys2805Thr (NM_000445.5); c.8291_8292delinsCC, p.Lys2764Thr (NM_201378.4); c.8267_8268delinsCC, p.Lys2756Thr (NM_201379.3); c.8744_8745delinsCC, p.Lys2915Thr (NM_201380.4); c.8237_8238delinsCC, p.Lys2746Thr (NM_201381.3); c.8333_8334delinsCC, p.Lys2778Thr (NM_201382.4); c.8345_8346delinsCC, p.Lys2782Thr (NM_201383.3); short protein forms K2746T, K2782T, K2915T, K2764T, K2805T, K2778T, K2756T.
Identifiers: ClinVar variation 852332 (VCV000852332.10), dbSNP rs1822684534, ClinGen allele CA916083016.